The following is an entry in ClinVar:

NM_000718.4(CACNA1B):c.1044C>T (p.Leu348=)

Gene: CACNA1B (calcium voltage-gated channel subunit alpha1 B; plus strand). Cytogenetic location: 9q34.3.
Variant type: single nucleotide variant.
Coding change: c.1044C>T on transcript NM_000718.4 (MANE Select); coding-DNA position 1044, C replaced by T.
Protein change: p.Leu348=; no amino-acid change (leucine 348 retained).
Molecular consequence: synonymous variant.
Genome position (GRCh38, 1-based): chr9:137,952,351, C>T. VCF-style: chr9-137952351-C-T. GRCh37 (hg19) VCF-style: chr9-140846803-C-T.
Other names: c.1044C>T, p.Leu348= (NM_001243812.2).
Identifiers: ClinVar variation 1986432 (VCV001986432.29), dbSNP rs200030313, ClinGen allele CA5376023.

ClinVar aggregate classification (germline): Benign/Likely benign. Review status: criteria provided, multiple submitters, no conflicts (2 of 4 stars). 3 submissions from 3 submitters: Benign (1); Likely benign (2). Last evaluated 2025-11-09.

Allele frequency attached by ClinVar (database versions not stated): TOPMed 0.00004; gnomAD 0.00012; gnomAD exomes 0.00034; ExAC 0.00073; 1000 Genomes Project 30x 0.00109; 1000 Genomes Project 0.00120.
gnomAD v4.1: 520 of 1,613,580 alleles (0.032%); highest among the groups gnomAD compares: South Asian, 0.42%; 5 homozygotes.

Submissions (3):

Labcorp Genetics (formerly Invitae), Labcorp
Classification: Benign. Last evaluated: 2025-11-09. Review status: criteria provided, single submitter. Criteria: Invitae Variant Classification Sherloc (09022015). Collection method: clinical testing. Allele origin: germline.

Blueprint Genetics
Classification: Likely benign. Last evaluated: 2024-11-20. Review status: criteria provided, single submitter. Criteria: ACMG Guidelines, 2015. Collection method: clinical testing. Allele origin: germline.

CeGaT Center for Human Genetics Tuebingen
Classification: Likely benign. Last evaluated: 2022-05-01. Review status: criteria provided, single submitter. Criteria: CeGaT Center For Human Genetics Tuebingen Variant Classification Criteria Version 2. Collection method: clinical testing. Allele origin: germline. Affected: yes. Observed: 1 variant allele.
Comment: CACNA1B: BP4, BP7